The following is an entry in ClinVar:

NM_013275.6(ANKRD11):c.1425G>T (p.Lys475Asn)

Gene: ANKRD11 (ankyrin repeat domain containing 11; minus strand). Cytogenetic location: 16q24.3.
Variant type: single nucleotide variant.
Coding change: c.1425G>T on transcript NM_013275.6 (MANE Select); coding-DNA position 1425, G replaced by T.
Protein change: p.Lys475Asn; replaces lysine 475 with asparagine.
Molecular consequence: missense variant.
Genome position (GRCh38, 1-based): chr16:89,285,117, C>A on the plus strand (G>T on the coding strand, the complement: ANKRD11 is on the minus strand). VCF-style: chr16-89285117-C-A. GRCh37 (hg19) VCF-style: chr16-89351525-C-A.
Other names: c.1425G>T, p.Lys475Asn (NM_001256182.2, NM_001256183.2); short protein forms K475N.
Identifiers: ClinVar variation 389420 (VCV000389420.2), dbSNP rs1057523418, ClinGen allele CA16608333.
Genomic context (GRCh38, chr16:89,285,117, plus strand): 5'-AGAGTCCCTGTCATCCTCCCCACTCTCTGAGGACTCGCTCTCCGACTCCGAGGAGCAGAA[C>A]TTGTCGCTCCGCTTTCCGAAGCGAACCTCTCTGCCTTTTGTTTCTTTCTTTCGCTTCTTT-3'
Protein context (NP_037407.4, residues 465-485): REVRFGKRSD[Lys475Asn]FCSSESESES

ClinVar aggregate classification (germline): Uncertain significance (1 of 4 stars; one submission).

Allele frequency attached by ClinVar (database versions not stated): gnomAD exomes below 0.00001.
gnomAD v4.1: 1 of 1,613,732 alleles (0.000062%); highest among the groups gnomAD compares: Non-Finnish European, 0.000085%; no homozygotes.

Submission:

GeneDx
Classification: Uncertain significance. Last evaluated: 2016-09-29. Review status: criteria provided, single submitter. Criteria: GeneDx Variant Classification (06012015). Collection method: clinical testing. Allele origin: germline. Affected: yes.
Comment: The K475N variant in the ANKRD11 gene has not been reported previously as a pathogenic variant, nor as a benign variant, to our knowledge. The K475N variant was not observed in approximately 6500 individuals of European and African American ancestry in the NHLBI Exome Sequencing Project, indicating it is not a common benign variant in these populations. The K475N variant is a semi-conservative amino acid substitution, which may impact secondary protein structure as these residues differ in some properties. This substitution occurs at a position that is conserved in mammals. However, in silico analysis is inconsistent in its predictions as to whether or not the variant is damaging to the protein structure/function. Therefore, we interpret K475N as a variant of uncertain significance.